The following is an entry in ClinVar:

ClinVar aggregate classification (germline): Benign/Likely benign. Review status: criteria provided, multiple submitters, no conflicts (2 of 4 stars). 4 submissions from 4 submitters: Benign (1); Likely benign (1). 2 of the submissions do not count toward it. Last evaluated 2026-01-11.

Conditions:
PEX6-related disorder. Also called: PEX6-related condition; PEX6-related disorders.
Peroxisome biogenesis disorder. Identifiers: Orphanet 79189, MedGen C1832200, MONDO:0019234. Disease mechanism: loss of function.
Zellweger spectrum disorders (ZS). Also called: Zellweger Spectrum Disorder (ZSD); Zellweger Spectrum Disorder; Zellweger Spectrum; Zellweger syndrome. Identifiers: Orphanet 912, MedGen C0043459, MONDO:0019609.

Allele frequency attached by ClinVar (database versions not stated): TOPMed 0.00002; gnomAD 0.00003 and 0.00008; gnomAD exomes 0.00016 and 0.00036; 1000 Genomes Project 30x 0.00031; ExAC 0.00038; 1000 Genomes Project 0.00040.
gnomAD v4.1: 251 of 1,614,186 alleles (0.016%); highest among the groups gnomAD compares: South Asian, 0.23%; 3 homozygotes.

Submissions (4):

Labcorp Genetics (formerly Invitae), Labcorp
Classification: Benign for Peroxisome biogenesis disorder. Last evaluated: 2026-01-11. Review status: criteria provided, single submitter. Criteria: Invitae Variant Classification Sherloc (09022015). Collection method: clinical testing. Allele origin: germline.

Blueprint Genetics
Classification: Likely benign. Last evaluated: 2024-07-16. Review status: criteria provided, single submitter. Criteria: ACMG Guidelines, 2015. Collection method: clinical testing. Allele origin: germline.

PreventionGenetics, part of Exact Sciences
Classification: Likely benign for PEX6-related condition. Last evaluated: 2023-07-13. Review status: no assertion criteria provided. Collection method: clinical testing. Allele origin: germline. Not counted in ClinVar's aggregate classification.
Comment: This variant is classified as likely benign based on ACMG/AMP sequence variant interpretation guidelines (Richards et al. 2015 PMID: 25741868, with internal and published modifications).

Natera, Inc.
Classification: Uncertain significance for Zellweger syndrome. Last evaluated: 2020-01-24. Review status: no assertion criteria provided. Collection method: clinical testing. Allele origin: germline. Not counted in ClinVar's aggregate classification.

NM_000287.4(PEX6):c.1207G>A (p.Asp403Asn)

Gene: PEX6 (peroxisomal biogenesis factor 6; minus strand). Cytogenetic location: 6p21.1.
Variant type: single nucleotide variant.
Coding change: c.1207G>A on transcript NM_000287.4 (MANE Select); coding-DNA position 1207, G replaced by A.
Protein change: p.Asp403Asn; replaces aspartic acid 403 with asparagine.
Molecular consequence: missense variant. On other transcripts: non-coding transcript variant (1).
Genome position (GRCh38, 1-based): chr6:42,969,911, C>T on the plus strand (G>A on the coding strand, the complement: PEX6 is on the minus strand). VCF-style: chr6-42969911-C-T. GRCh37 (hg19) VCF-style: chr6-42937649-C-T.
Other names: c.943G>A, p.Asp315Asn (NM_001316313.2); short protein forms D403N, D315N.
Identifiers: ClinVar variation 725388 (VCV000725388.15), dbSNP rs535326039, ClinGen allele CA3811412.